The following is an entry in ClinVar:

NM_182972.3(IRF2BP2):c.1087C>T (p.Pro363Ser)

Gene: IRF2BP2 (interferon regulatory factor 2 binding protein 2; minus strand). Cytogenetic location: 1q42.3.
Variant type: single nucleotide variant.
Coding change: c.1087C>T on transcript NM_182972.3 (MANE Select); coding-DNA position 1087, C replaced by T.
Protein change: p.Pro363Ser; replaces proline 363 with serine.
Molecular consequence: missense variant.
Genome position (GRCh38, 1-based): chr1:234,607,814, G>A on the plus strand (C>T on the coding strand, the complement: IRF2BP2 is on the minus strand). VCF-style: chr1-234607814-G-A. GRCh37 (hg19) VCF-style: chr1-234743560-G-A.
Other names: c.1039C>T, p.Pro347Ser (NM_001077397.1); short protein forms P363S, P347S.
Identifiers: ClinVar variation 2860505 (VCV002860505.3), dbSNP rs773862476, ClinGen allele CA345307089.

ClinVar aggregate classification (germline): Uncertain significance (1 of 4 stars; one submission).

gnomAD v4.1: 1 of 1,601,246 alleles (0.000062%); highest among the groups gnomAD compares: Admixed American, 0.0017%; no homozygotes.

Submission:

Labcorp Genetics (formerly Invitae), Labcorp
Classification: Uncertain significance. Last evaluated: 2024-05-26. Review status: criteria provided, single submitter. Criteria: Invitae Variant Classification Sherloc (09022015). Collection method: clinical testing. Allele origin: germline.
Comment: This sequence change replaces proline, which is neutral and non-polar, with serine, which is neutral and polar, at codon 363 of the IRF2BP2 protein (p.Pro363Ser). This variant is present in population databases (no rsID available, gnomAD 0.003%). This variant has not been reported in the literature in individuals affected with IRF2BP2-related conditions. An algorithm developed to predict the effect of missense changes on protein structure and function (PolyPhen-2) suggests that this variant is likely to be disruptive. In summary, the available evidence is currently insufficient to determine the role of this variant in disease. Therefore, it has been classified as a Variant of Uncertain Significance.